The following is an entry in ClinVar:

ClinVar aggregate classification (germline): Uncertain significance. Review status: criteria provided, multiple submitters, no conflicts (2 of 4 stars). 2 submissions from 2 submitters: Uncertain significance (2). Last evaluated 2024-10-07.

Conditions:
Charcot-Marie-Tooth disease dominant intermediate E. Also called: CHARCOT-MARIE-TOOTH NEUROPATHY WITH FOCAL SEGMENTAL GLOMERULONEPHRITIS. Identifiers: Orphanet 93114, MedGen C4302667, MONDO:0013758, OMIM 614455.
Focal segmental glomerulosclerosis 5 (FSGS5). Identifiers: Orphanet 656, MedGen C2750475, MONDO:0013191, OMIM 613237.
Inborn genetic diseases. Identifiers: MedGen C0950123, MeSH D030342.

Allele frequency attached by ClinVar (database versions not stated): gnomAD exomes 0.00001.
gnomAD v4.1: 7 of 1,611,752 alleles (0.00043%); highest among the groups gnomAD compares: Non-Finnish European, 0.00059%; no homozygotes.

Submissions (2):

Labcorp Genetics (formerly Invitae), Labcorp
Classification: Uncertain significance for Charcot-Marie-Tooth disease dominant intermediate E; Focal segmental glomerulosclerosis 5. Last evaluated: 2024-10-07. Review status: criteria provided, single submitter. Criteria: Invitae Variant Classification Sherloc (09022015). Collection method: clinical testing. Allele origin: germline.
Comment: This sequence change replaces isoleucine, which is neutral and non-polar, with valine, which is neutral and non-polar, at codon 980 of the INF2 protein (p.Ile980Val). This variant is present in population databases (no rsID available, gnomAD 0.003%). This variant has not been reported in the literature in individuals affected with INF2-related conditions. ClinVar contains an entry for this variant (Variation ID: 1967751). Invitae Evidence Modeling of protein sequence and biophysical properties (such as structural, functional, and spatial information, amino acid conservation, physicochemical variation, residue mobility, and thermodynamic stability) has been performed for this missense variant. However, the output from this modeling did not meet the statistical confidence thresholds required to predict the impact of this variant on INF2 protein function. In summary, the available evidence is currently insufficient to determine the role of this variant in disease. Therefore, it has been classified as a Variant of Uncertain Significance.

Ambry Genetics
Classification: Uncertain significance for Inborn genetic diseases. Last evaluated: 2024-04-04. Review status: criteria provided, single submitter. Criteria: Ambry Variant Classification Scheme 2023. Collection method: clinical testing. Allele origin: germline.

NM_022489.4(INF2):c.2938A>G (p.Ile980Val)

Gene: INF2 (inverted formin 2; plus strand). Cytogenetic location: 14q32.33.
Variant type: single nucleotide variant.
Coding change: c.2938A>G on transcript NM_022489.4 (MANE Select); coding-DNA position 2938, A replaced by G.
Protein change: p.Ile980Val; replaces isoleucine 980 with valine.
Molecular consequence: missense variant.
Genome position (GRCh38, 1-based): chr14:104,713,504, A>G. VCF-style: chr14-104713504-A-G. GRCh37 (hg19) VCF-style: chr14-105179841-A-G.
Other names: c.2938A>G, p.Ile980Val (NM_001031714.4); c.2938A>G (NM_022489.3); short protein forms I980V.
Identifiers: ClinVar variation 1967751 (VCV001967751.6), dbSNP rs1374161975, ClinGen allele CA391222968.